The following is an entry in ClinVar:

ClinVar aggregate classification (germline): Likely benign (1 of 4 stars; one submission).

Allele frequency attached by ClinVar (database versions not stated): 1000 Genomes Project 30x 0.00016; ExAC 0.00058; TOPMed 0.00070; gnomAD 0.00076.
gnomAD v4.1: 1,776 of 1,521,420 alleles (0.12%); highest among the groups gnomAD compares: Non-Finnish European, 0.14%; 2 homozygotes.

Submission:

CeGaT Center for Human Genetics Tuebingen
Classification: Likely benign. Last evaluated: 2022-05-01. Review status: criteria provided, single submitter. Criteria: CeGaT Center For Human Genetics Tuebingen Variant Classification Criteria Version 2. Collection method: clinical testing. Allele origin: germline. Affected: yes. Observed: 1 variant allele.
Comment: ZNF385C: BP4, BP7

NM_001392013.1(ZNF385C):c.267C>T (p.Gly89=)

Gene: ZNF385C (zinc finger protein 385C; minus strand). Cytogenetic location: 17q21.2.
Variant type: single nucleotide variant.
Coding change: c.267C>T on transcript NM_001392013.1 (MANE Select); coding-DNA position 267, C replaced by T.
Protein change: p.Gly89=; no amino-acid change (glycine 89 retained).
Molecular consequence: synonymous variant. On other transcripts: intron variant (1).
Genome position (GRCh38, 1-based): chr17:42,037,869, G>A on the plus strand (C>T on the coding strand, the complement: ZNF385C is on the minus strand). VCF-style: chr17-42037869-G-A. GRCh37 (hg19) VCF-style: chr17-40189887-G-A.
Other names: c.264C>T, p.Gly88= (NM_001378270.1); c.267C>T, p.Gly89= (NM_001392014.1, NM_001392015.1, NM_001392016.1 and 1 more transcripts); c.27C>T, p.Gly9= (NM_001392018.1); c.178-3534C>T (NM_001392017.1).
Identifiers: ClinVar variation 2647781 (VCV002647781.24), dbSNP rs563817412, ClinGen allele CA8570572.